The following is an entry in ClinVar:

ClinVar aggregate classification (germline): Likely benign (0 of 4 stars; one submission).

Conditions:
TCOF1-related disorder. Also called: TCOF1-related condition.

gnomAD v4.1: 7 of 1,613,954 alleles (0.00043%); highest among the groups gnomAD compares: Non-Finnish European, 0.00059%; no homozygotes.

Submission:

PreventionGenetics, part of Exact Sciences
Classification: Likely benign for TCOF1-related condition. Last evaluated: 2024-07-31. Review status: no assertion criteria provided. Collection method: clinical testing. Allele origin: germline.
Comment: This variant is classified as likely benign based on ACMG/AMP sequence variant interpretation guidelines (Richards et al. 2015 PMID: 25741868, with internal and published modifications).

NM_001371623.1(TCOF1):c.3939G>A (p.Gln1313=)

Gene: TCOF1 (treacle ribosome biogenesis factor 1; plus strand). Cytogenetic location: 5q32.
Variant type: single nucleotide variant.
Coding change: c.3939G>A on transcript NM_001371623.1 (MANE Select); coding-DNA position 3939, G replaced by A.
Protein change: p.Gln1313=; no amino-acid change (glutamine 1313 retained).
Molecular consequence: synonymous variant.
Genome position (GRCh38, 1-based): chr5:150,396,436, G>A. VCF-style: chr5-150396436-G-A. GRCh37 (hg19) VCF-style: chr5-149775999-G-A.
Other names: c.3705G>A, p.Gln1235= (NM_000356.4); c.3936G>A, p.Gln1312= (NM_001135243.2); c.3825G>A, p.Gln1275= (NM_001135244.2); c.3708G>A, p.Gln1236= (NM_001135245.2); c.3822G>A, p.Gln1274= (NM_001195141.2).
Identifiers: ClinVar variation 3356330 (VCV003356330.1).